The following is an entry in ClinVar:

ClinVar aggregate classification (germline): Uncertain significance (1 of 4 stars; one submission).

Conditions:
Epileptic encephalopathy. Identifiers: MedGen C0543888, HP:0200134.

Submission:

Labcorp Genetics (formerly Invitae), Labcorp
Classification: Uncertain significance for Epileptic encephalopathy. Last evaluated: 2024-05-06. Review status: criteria provided, single submitter. Criteria: Invitae Variant Classification Sherloc (09022015). Collection method: clinical testing. Allele origin: germline.
Comment: This sequence change replaces leucine, which is neutral and non-polar, with isoleucine, which is neutral and non-polar, at codon 1400 of the FASN protein (p.Leu1400Ile). This variant is present in population databases (rs759803773, gnomAD 0.003%). This variant has not been reported in the literature in individuals affected with FASN-related conditions. Algorithms developed to predict the effect of missense changes on protein structure and function output the following: SIFT: "Not Available"; PolyPhen-2: "Benign"; Align-GVGD: "Not Available". The isoleucine amino acid residue is found in multiple mammalian species, which suggests that this missense change does not adversely affect protein function. In summary, the available evidence is currently insufficient to determine the role of this variant in disease. Therefore, it has been classified as a Variant of Uncertain Significance.

NM_004104.5(FASN):c.4198C>A (p.Leu1400Ile)

Gene: FASN (fatty acid synthase; minus strand). Cytogenetic location: 17q25.3.
Variant type: single nucleotide variant.
Coding change: c.4198C>A on transcript NM_004104.5 (MANE Select); coding-DNA position 4198, C replaced by A.
Protein change: p.Leu1400Ile; replaces leucine 1400 with isoleucine.
Molecular consequence: missense variant.
Genome position (GRCh38, 1-based): chr17:82,085,327, G>T on the plus strand (C>A on the coding strand, the complement: FASN is on the minus strand). VCF-style: chr17-82085327-G-T. GRCh37 (hg19) VCF-style: chr17-80043203-G-T.
Other names: short protein forms L1400I.
Identifiers: ClinVar variation 3652324 (VCV003652324.2).